The following is an entry in ClinVar:

NM_001394062.1(MACF1):c.20455G>A (p.Val6819Ile)

Gene: MACF1 (microtubule actin crosslinking factor 1; plus strand). Cytogenetic location: 1p34.3.
Variant type: single nucleotide variant.
Coding change: c.20455G>A on transcript NM_001394062.1 (MANE Select); coding-DNA position 20455, G replaced by A.
Protein change: p.Val6819Ile; replaces valine 6819 with isoleucine.
Molecular consequence: missense variant.
Genome position (GRCh38, 1-based): chr1:39,452,192, G>A. VCF-style: chr1-39452192-G-A. GRCh37 (hg19) VCF-style: chr1-39917864-G-A.
Other names: c.8533G>A, p.Val2845Ile (NM_001397473.1); c.14278G>A, p.Val4760Ile (NM_012090.5); short protein forms V2845I, V4760I, V6819I.
Identifiers: ClinVar variation 2047035 (VCV002047035.15), dbSNP rs146089082, ClinGen allele CA784392.

ClinVar aggregate classification (germline): Conflicting classifications of pathogenicity. Review status: criteria provided, conflicting classifications (1 of 4 stars). 7 submissions from 7 submitters: Uncertain significance (2); Benign (1); Likely benign (3). 1 of the submissions does not count toward it. Last evaluated 2025-12-01.

Conditions:
Inborn genetic diseases. Identifiers: MedGen C0950123, MeSH D030342.
Cleft palate. Identifiers: Orphanet 2014, MedGen C2981150, MONDO:0016064, HP:0000175.
MACF1-related disorder. Also called: MACF1-related condition.
Lissencephaly 9 with complex brainstem malformation. Identifiers: Orphanet 572013, MedGen C5193029, MONDO:0032677, OMIM 618325.

Allele frequency attached by ClinVar (database versions not stated): ExAC 0.00033; gnomAD 0.00046; ESP Exome Variant Server 0.00054; 1000 Genomes Project 0.00060; 1000 Genomes Project 30x 0.00062.
gnomAD v4.1: 1,162 of 1,612,494 alleles (0.072%); highest among the groups gnomAD compares: Non-Finnish European, 0.084%; 1 homozygote.

Submissions (7):

CeGaT Center for Human Genetics Tuebingen
Classification: Likely benign. Last evaluated: 2025-12-01. Review status: criteria provided, single submitter. Criteria: CeGaT Center For Human Genetics Tuebingen Variant Classification Criteria Version 2. Collection method: clinical testing. Allele origin: germline. Affected: yes. Observed: 1 variant allele.
Comment: MACF1: BP4, BS1

Labcorp Genetics (formerly Invitae), Labcorp
Classification: Benign. Last evaluated: 2025-03-29. Review status: criteria provided, single submitter. Criteria: Invitae Variant Classification Sherloc (09022015). Collection method: clinical testing. Allele origin: germline.

Blueprint Genetics
Classification: Likely benign. Last evaluated: 2024-11-19. Review status: criteria provided, single submitter. Criteria: ACMG Guidelines, 2015. Collection method: clinical testing. Allele origin: germline.

Fulgent Genetics
Classification: Uncertain significance for Lissencephaly 9 with complex brainstem malformation. Last evaluated: 2024-05-20. Review status: criteria provided, single submitter. Criteria: ACMG Guidelines, 2015. Collection method: clinical testing. Allele origin: germline.

Ambry Genetics
Classification: Likely benign for Inborn genetic diseases. Last evaluated: 2021-04-28. Review status: criteria provided, single submitter. Criteria: Ambry Variant Classification Scheme 2023. Collection method: clinical testing. Allele origin: germline.

Cambridge Genomics Laboratory, East Genomic Laboratory Hub, NHS Genomic Medicine Service
Classification: Uncertain significance for Cleft palate. Last evaluated: 2020-04-29. Review status: criteria provided, single submitter. Criteria: ACGS Best Practice Guidelines for Variant Classification in Rare Disease 2020. Collection method: clinical testing. Allele origin: germline. Affected: yes. Observed: 1 variant allele.

PreventionGenetics, part of Exact Sciences
Classification: Likely benign for MACF1-related condition. Last evaluated: 2022-03-14. Review status: no assertion criteria provided. Collection method: clinical testing. Allele origin: germline. Not counted in ClinVar's aggregate classification.
Comment: This variant is classified as likely benign based on ACMG/AMP sequence variant interpretation guidelines (Richards et al. 2015 PMID: 25741868, with internal and published modifications).